The following is an entry in ClinVar:

ClinVar aggregate classification (germline): Uncertain significance (1 of 4 stars; one submission).

Conditions:
Hereditary pancreatitis (PCTT). Also called: Hereditary chronic pancreatitis; PRSS1-Related Hereditary Pancreatitis. Identifiers: Orphanet 676, MedGen C0238339, MONDO:0008185, OMIM 167800.

Submission:

Ambry Genetics
Classification: Uncertain significance for Hereditary pancreatitis. Last evaluated: 2026-03-12. Review status: criteria provided, single submitter. Criteria: Ambry Variant Classification Scheme 2023. Collection method: clinical testing. Allele origin: germline.
Comment: The p.K170R variant (also known as c.509A>G), located in coding exon 4 of the PRSS1 gene, results from an A to G substitution at nucleotide position 509. The lysine at codon 170 is replaced by arginine, an amino acid with highly similar properties. This amino acid position is conserved. In addition, this alteration is predicted to be tolerated by in silico analysis. Based on the available evidence, the clinical significance of this variant remains unclear.

NM_002769.5(PRSS1):c.509A>G (p.Lys170Arg)

Genes: PRSS1 (serine protease 1; plus strand), TRB (T cell receptor beta locus; plus strand). Cytogenetic location: 7q34.
Variant type: single nucleotide variant.
Coding change: c.509A>G on transcript NM_002769.5 (MANE Select); coding-DNA position 509, A replaced by G.
Protein change: p.Lys170Arg; replaces lysine 170 with arginine.
Molecular consequence: missense variant. On other transcripts: non-coding transcript variant (5).
Genome position (GRCh38, 1-based): chr7:142,752,485, A>G. VCF-style: chr7-142752485-A-G. GRCh37 (hg19) VCF-style: chr7-142460336-A-G.
Other names: short protein forms K170R.
Identifiers: ClinVar variation 4843168 (VCV004843168.1).
Genomic context (GRCh38, chr7:142,752,485, plus strand): 5'-TCACAGCCGACTACCCAGACGAGCTGCAGTGCCTGGATGCTCCTGTGCTGAGCCAGGCTA[A>G]GTGTGAAGCCTCCTACCCTGGAAAGATTACCAGCAACATGTTCTGTGTGGGCTTCCTTGA-3'
Protein context (NP_002760.1, residues 160-180): CLDAPVLSQA[Lys170Arg]CEASYPGKIT